The following is an entry in ClinVar:

ClinVar aggregate classification (germline): Benign. Review status: criteria provided, multiple submitters, no conflicts (2 of 4 stars). 8 submissions from 8 submitters: Benign (3). 5 of the submissions do not count toward it. Last evaluated 2025-02-16.

Conditions:
Congenital heart disease (CHD). Identifiers: MedGen C0152021, MONDO:0005453. Disease mechanism: unknown.

Allele frequency attached by ClinVar (database versions not stated): 1000 Genomes Project 0.27017; 1000 Genomes Project 30x 0.27592; TOPMed 0.37681; gnomAD 0.38644 and 0.39169; gnomAD exomes 0.44653.
gnomAD v4.1: 478,575 of 1,092,154 alleles (44%); highest among the groups gnomAD compares: Non-Finnish European, 50%; 114,028 homozygotes.

Submissions (8):

Laboratory of Genetics, Children's Clinical University Hospital Latvia
Classification: Benign. Last evaluated: 2025-02-16. Review status: criteria provided, single submitter. Criteria: ACMG Guidelines, 2015. Collection method: clinical testing. Allele origin: germline. Affected: yes.

H3Africa Consortium
Classification: Benign. Last evaluated: 2020-10-28. Review status: criteria provided, single submitter. Criteria: Choudhury A et al. (Nature 2020). Collection method: research. Allele origin: germline. Inheritance: Autosomal dominant inheritance. Study: H3Africa.
Comment: While the frequency of the alternate allele in gnoMAD v2.0.2 is 0.229, its frequency in African populations is >5%. This suggests that previous classifications of this variant as pathogenic are in error.

GeneDx
Classification: Benign. Last evaluated: 2019-03-31. Review status: criteria provided, single submitter. Criteria: GeneDx Variant Classification Process June 2021. Collection method: clinical testing. Allele origin: germline. Affected: yes.

Reproductive Health Research and Development, BGI Genomics
Classification: Benign for Congenital heart disease. Last evaluated: 2020-01-06. Review status: no assertion criteria provided. Collection method: curation. Allele origin: germline. Not counted in ClinVar's aggregate classification.
Comment: NG_008177.2(NM_002052.4):c.1147-107A>G in the gene GATA4 has an allele frequency of 0.510 in European (non-Finnish) subpopulation in the gnomAD database. 2668 homozygous occurrences are observed in the gnomAD database. This evidence suggests the variant to be classified as benign. ACMG/AMP criteria applied: BA1; BS2.

Central Research Laboratory, Sri Devaraj Urs Academy of Higher Education and Research
Classification: Pathogenic for Congenital heart disease. Last evaluated: 2017-01-07. Review status: no assertion criteria provided. Collection method: clinical testing. Allele origin: unknown. Affected: yes. Observed: 28 variant alleles. Not counted in ClinVar's aggregate classification.
Comment: This variant, NG_008177.2:g.86268A>G, leads to the disruption of branch point site.

Department of Pathology and Laboratory Medicine, Sinai Health System
Classification: Benign. Review status: no assertion criteria provided. Collection method: clinical testing. Allele origin: unknown. Affected: yes. Study: The Canadian Open Genetics Repository (COGR). Not counted in ClinVar's aggregate classification.

Genome Diagnostics Laboratory, Amsterdam University Medical Center
Classification: Benign. Review status: no assertion criteria provided. Collection method: clinical testing. Allele origin: germline. Affected: yes. Study: VKGL Data-share Consensus. Not counted in ClinVar's aggregate classification.

Joint Genome Diagnostic Labs from Nijmegen and Maastricht, Radboudumc and MUMC+
Classification: Benign. Review status: no assertion criteria provided. Collection method: clinical testing. Allele origin: germline. Affected: yes. Study: VKGL Data-share Consensus. Not counted in ClinVar's aggregate classification.

Literature cited by the submitters: PubMed 27426723 (cited by Central Research Laboratory, Sri Devaraj Urs Academy of Higher Education and Research).

NM_001308093.3(GATA4):c.1150-107A>G

Gene: GATA4 (GATA binding protein 4). Cytogenetic location: 8p23.1.
Variant type: single nucleotide variant.
Coding change: c.1150-107A>G on transcript NM_001308093.3 (MANE Select); 107 bases into the intron before coding-DNA position 1150, A replaced by G.
Molecular consequence: intron variant.
Genome position (GRCh38, 1-based): chr8:11,758,186, A>G. VCF-style: chr8-11758186-A-G. GRCh37 (hg19) VCF-style: chr8-11615695-A-G.
Other names: c.529-107A>G (NM_001308094.2, NM_001374273.1); c.1147-107A>G (NM_002052.5); c.403-107A>G (NM_001374274.1).
Identifiers: ClinVar variation 433015 (VCV000433015.12), dbSNP rs745379, ClinGen allele CA12714002.